The following is an entry in ClinVar:

NM_001165963.4(SCN1A):c.652T>C (p.Phe218Leu)

Gene: SCN1A (sodium voltage-gated channel alpha subunit 1; minus strand). Cytogenetic location: 2q24.3.
Variant type: single nucleotide variant.
Coding change: c.652T>C on transcript NM_001165963.4 (MANE Select); coding-DNA position 652, T replaced by C.
Protein change: p.Phe218Leu; replaces phenylalanine 218 with leucine.
Molecular consequence: missense variant. On other transcripts: 5 prime UTR variant (1), non-coding transcript variant (1).
Genome position (GRCh38, 1-based): chr2:166,052,894, A>G on the plus strand (T>C on the coding strand, the complement: SCN1A is on the minus strand). VCF-style: chr2-166052894-A-G. GRCh37 (hg19) VCF-style: chr2-166909404-A-G.
Other names: c.652T>C, p.Phe218Leu (NM_001165964.3, NM_001202435.3, NM_001353948.2 and 10 more transcripts); c.-1774T>C (NM_001353961.2); short protein forms F218L.
Identifiers: ClinVar variation 587828 (VCV000587828.17), dbSNP rs970867558, ClinGen allele CA59802259.
Genomic context (GRCh38, chr2:166,052,894, plus strand): 5'-ATCTAACCTTGCTCTCACCTGGAATGACTGAAATCGTCTTCAATGCTCGGAGAACTCTGA[A>G]TGTTCTCAATGCCGAGACATTGCCCAGGTCCACAAACTCTGTGACGTACCTGTAATAGGG-3'
Protein context (NP_001159435.1, residues 208-228): DLGNVSALRT[Phe218Leu]RVLRALKTIS

ClinVar aggregate classification (germline): Pathogenic/Likely pathogenic. Review status: criteria provided, multiple submitters, no conflicts (2 of 4 stars). 3 submissions from 3 submitters: Pathogenic (1); Likely pathogenic (2). Last evaluated 2025-08-29.

Conditions:
Early-infantile DEE. Also called: Early infantile epileptic encephalopathy; Ohtahara syndrome; Early infantile epileptic encephalopathy with suppression bursts. Identifiers: Orphanet 1934, MedGen C0393706, MONDO:0800491.
Inborn genetic diseases. Identifiers: MedGen C0950123, MeSH D030342.

Allele frequency attached by ClinVar (database versions not stated): gnomAD exomes below 0.00001; gnomAD 0.00001; TOPMed 0.00001.
gnomAD v4.1: 5 of 1,612,424 alleles (0.00031%); highest among the groups gnomAD compares: Non-Finnish European, 0.00042%; no homozygotes.

Submissions (3):

Labcorp Genetics (formerly Invitae), Labcorp
Classification: Pathogenic for Early-infantile DEE. Last evaluated: 2025-08-29. Review status: criteria provided, single submitter. Criteria: Invitae Variant Classification Sherloc (09022015). Collection method: clinical testing. Allele origin: germline.
Comment: This sequence change replaces phenylalanine, which is neutral and non-polar, with leucine, which is neutral and non-polar, at codon 218 of the SCN1A protein (p.Phe218Leu). This variant is not present in population databases (gnomAD no frequency). This missense change has been observed in individuals with autosomal dominant SCN1A-related conditions (PMID: 19339291). It has also been observed to segregate with disease in related individuals. ClinVar contains an entry for this variant (Variation ID: 587828). Invitae Evidence Modeling of protein sequence and biophysical properties (such as structural, functional, and spatial information, amino acid conservation, physicochemical variation, residue mobility, and thermodynamic stability) indicates that this missense variant is expected to disrupt SCN1A protein function with a positive predictive value of 95%. For these reasons, this variant has been classified as Pathogenic.

GeneDx
Classification: Likely pathogenic. Last evaluated: 2019-02-06. Review status: criteria provided, single submitter. Criteria: GeneDx Variant Classification Process June 2021. Collection method: clinical testing. Allele origin: germline. Affected: yes.
Comment: Not observed in large population cohorts (Lek et al., 2016); In silico analysis, which includes protein predictors and evolutionary conservation, supports a deleterious effect; This variant is associated with the following publications: (PMID: 32090326, 21719429, 21248271, 19585586, 19339291)

Ambry Genetics
Classification: Likely pathogenic for Inborn genetic diseases. Last evaluated: 2016-04-26. Review status: criteria provided, single submitter. Criteria: Ambry Variant Classification Scheme 2023. Collection method: clinical testing. Allele origin: germline.
Comment: The p.F218L variant (also known as c.652T>C), located in coding exon 5 of the SCN1A gene, results from a T to C substitution at nucleotide position 652. The phenylalanine at codon 218 is replaced by leucine, an amino acid with highly similar properties. This variant reportedly segregated with disease in two families with epilepsy (generalized epilepsy with febrile seizures plus and Panayiotopoulos syndrome) in the literature; the variant was detected in a total of five affected individuals but was inherited from an unaffected father in one family, which could be attributed to incomplete penetrance (Livingston JH et al. J Child Neurol 2009 Apr; 24(4):503-8). This variant was not reported in population based cohorts in the following databases: Database of Single Nucleotide Polymorphisms (dbSNP), NHLBI Exome Sequencing Project (ESP), and 1000 Genomes Project. In the ESP, this variant was not observed in 6503 samples (13006 alleles) with coverage at this position. This amino acid position is highly conserved in available vertebrate species. In addition, this alteration is predicted to be deleterious by in silico analysis. Based on the majority of available evidence to date, this variant is likely to be pathogenic.

Literature cited by the submitters: PubMed 19339291 (cited by Labcorp Genetics (formerly Invitae), Labcorp and Ambry Genetics).